The following is an entry in ClinVar:

ClinVar aggregate classification (germline): Uncertain significance (1 of 4 stars; one submission).

Conditions:
Long QT syndrome (LQTS). Identifiers: MedGen C0023976, MeSH D008133, MONDO:0002442. Disease mechanism: loss of function. Inheritance: Various modes of inheritance.

Allele frequency attached by ClinVar (database versions not stated): gnomAD exomes below 0.00001.
gnomAD v4.1: 2 of 1,614,028 alleles (0.00012%); highest among the groups gnomAD compares: Non-Finnish European, 0.00017%; no homozygotes.

Submission:

All of Us Research Program, National Institutes of Health
Classification: Uncertain significance for Long QT syndrome. Last evaluated: 2023-12-13. Review status: criteria provided, single submitter. Criteria: ACMG Guidelines, 2015. Collection method: clinical testing. Allele origin: germline. Inheritance: Autosomal dominant inheritance. Observed: 1 variant allele, 1 heterozygote.
Comment: This missense variant replaces serine with leucine at codon 349 of the KCNQ1 protein. Computational prediction suggests that this variant may have deleterious impact on protein structure and function (internally defined REVEL score threshold >= 0.7, PMID: 27666373). This variant is found within a highly conserved region in C-terminal cytoplasmic domain (a.a. 349-391). Rare non-truncating variants in this region have been shown to be significantly overrepresented in individuals with long QT syndrome (PMID: 32893267). To our knowledge, functional studies have not been reported for this variant. This variant has not been reported in individuals affected with KCNQ1-related disorders in the literature. This variant has not been identified in the general population by the Genome Aggregation Database (gnomAD). A different missense variant occurring at the same codon, p.Ser349Tr, has been determined to be disease-causing (Clinvar variation ID: 52942), indicating that serine at this position is important for KCNQ1 protein function. The available evidence is insufficient to determine the role of this variant in disease conclusively. Therefore, this variant is classified as a Variant of Uncertain Significance.

This study involves interpretation of variants in research participants for the purpose of population health screening. Participant phenotype was not available at the time of variant classification. Additional details can be found in publication PMID: 35346344, PMCID: PMC8962531

Literature cited by the submitters: PubMed 32893267.

NM_000218.3(KCNQ1):c.1046C>T (p.Ser349Leu)

Gene: KCNQ1 (potassium voltage-gated channel subfamily Q member 1; plus strand). Cytogenetic location: 11p15.5.
Variant type: single nucleotide variant.
Coding change: c.1046C>T on transcript NM_000218.3 (MANE Select); coding-DNA position 1046, C replaced by T.
Protein change: p.Ser349Leu; replaces serine 349 with leucine.
Molecular consequence: missense variant. On other transcripts: intron variant (2).
Genome position (GRCh38, 1-based): chr11:2,585,225, C>T. VCF-style: chr11-2585225-C-T. GRCh37 (hg19) VCF-style: chr11-2606455-C-T.
Other names: c.776C>T, p.Ser259Leu (NM_001406837.1); c.665C>T, p.Ser222Leu (NM_181798.2); c.1032+1680C>T (NM_001406836.1); c.588+1680C>T (NM_001406838.1); short protein forms S222L, S259L, S349L.
Identifiers: ClinVar variation 3074935 (VCV003074935.1), dbSNP rs199472765, ClinGen allele CA379133654.
Genomic context (GRCh38, chr11:2,585,225, plus strand): 5'-TGGCAGTGGCCTGTGTGGACGGGAGCCTCCTGTCCATTCCTTCCCAGGGGATTCTTGGCT[C>T]GGGGTTTGCCCTGAAGGTGCAGCAGAAGCAGAGGCAGAAGCACTTCAACCGGCAGATCCC-3'
Protein context (NP_000209.2, residues 339-359): FFALPAGILG[Ser349Leu]GFALKVQQKQ